The following is an entry in ClinVar:

NM_000548.5(TSC2):c.424G>A (p.Val142Ile)

Gene: TSC2 (TSC complex subunit 2; plus strand). Cytogenetic location: 16p13.3.
Variant type: single nucleotide variant.
Coding change: c.424G>A on transcript NM_000548.5 (MANE Select); coding-DNA position 424, G replaced by A.
Protein change: p.Val142Ile; replaces valine 142 with isoleucine.
Molecular consequence: missense variant. On other transcripts: intron variant (1).
Genome position (GRCh38, 1-based): chr16:2,054,383, G>A. VCF-style: chr16-2054383-G-A. GRCh37 (hg19) VCF-style: chr16-2104384-G-A.
Other names: c.-393G>A (NM_001406680.1, NM_001406683.1, NM_001406687.1); c.-22G>A (NM_001406681.1); c.-1008G>A (NM_001406689.1, NM_001406690.1, NM_001406691.1 and 2 more transcripts); c.-1224G>A (NM_001406693.1); c.-889G>A (NM_001406694.1, NM_001406695.1); c.-996G>A (NM_001406696.1); c.-1184G>A (NM_001406698.1); c.424G>A, p.Val142Ile (NM_001077183.3, NM_001114382.3, NM_001363528.2 and 8 more transcripts); and 6 more; short protein forms V105I, V123I, V142I, V153I, V172I, V93I.
Identifiers: ClinVar variation 2437383 (VCV002437383.6), dbSNP rs2151043003, ClinGen allele CA394307238.

ClinVar aggregate classification (germline): Uncertain significance. Review status: criteria provided, multiple submitters, no conflicts (2 of 4 stars). 3 submissions from 3 submitters: Uncertain significance (3). Last evaluated 2026-06-17.

Conditions:
Hereditary cancer-predisposing syndrome. Also called: Hereditary Cancer Syndrome; Hereditary neoplastic syndrome; Neoplastic Syndromes, Hereditary; Tumor predisposition. Identifiers: Orphanet 140162, MedGen C0027672, MeSH D009386, MONDO:0015356.
Tuberous sclerosis 2 (TSC2). Identifiers: Orphanet 805, MedGen C1860707, MONDO:0013199, OMIM 613254.

Submissions (3):

Ambry Genetics
Classification: Uncertain significance for Hereditary cancer-predisposing syndrome. Last evaluated: 2026-06-17. Review status: criteria provided, single submitter. Criteria: Ambry Variant Classification Scheme 2023. Collection method: clinical testing. Allele origin: germline.
Comment: The p.V142I variant (also known as c.424G>A), located in coding exon 4 of the TSC2 gene, results from a G to A substitution at nucleotide position 424. The valine at codon 142 is replaced by isoleucine, an amino acid with highly similar properties. This amino acid position is conserved. In addition, the in silico prediction for this alteration is inconclusive. Based on the available evidence, the clinical significance of this variant remains unclear.

Labcorp Genetics (formerly Invitae), Labcorp
Classification: Uncertain significance for Tuberous sclerosis 2. Last evaluated: 2024-02-02. Review status: criteria provided, single submitter. Criteria: Invitae Variant Classification Sherloc (09022015). Collection method: clinical testing. Allele origin: germline.
Comment: This sequence change replaces valine, which is neutral and non-polar, with isoleucine, which is neutral and non-polar, at codon 142 of the TSC2 protein (p.Val142Ile). This variant is not present in population databases (gnomAD no frequency). This variant has not been reported in the literature in individuals affected with TSC2-related conditions. ClinVar contains an entry for this variant (Variation ID: 2437383). Advanced modeling of protein sequence and biophysical properties (such as structural, functional, and spatial information, amino acid conservation, physicochemical variation, residue mobility, and thermodynamic stability) performed at Invitae indicates that this missense variant is not expected to disrupt TSC2 protein function with a negative predictive value of 95%. In summary, the available evidence is currently insufficient to determine the role of this variant in disease. Therefore, it has been classified as a Variant of Uncertain Significance.

Revvity Omics, Revvity
Classification: Uncertain significance for Tuberous sclerosis 2. Last evaluated: 2019-02-05. Review status: criteria provided, single submitter. Criteria: ACMG Guidelines, 2015. Collection method: clinical testing. Allele origin: germline.